The following is an entry in ClinVar:

NM_001164508.2(NEB):c.10846C>T (p.Arg3616Trp)

Gene: NEB (nebulin; minus strand). Cytogenetic location: 2q23.3.
Variant type: single nucleotide variant.
Coding change: c.10846C>T on transcript NM_001164508.2 (MANE Select); coding-DNA position 10846, C replaced by T.
Protein change: p.Arg3616Trp; replaces arginine 3616 with tryptophan.
Molecular consequence: missense variant.
Genome position (GRCh38, 1-based): chr2:151,619,477, G>A on the plus strand (C>T on the coding strand, the complement: NEB is on the minus strand). VCF-style: chr2-151619477-G-A. GRCh37 (hg19) VCF-style: chr2-152475991-G-A.
Other names: c.10846C>T, p.Arg3616Trp (NM_001164507.2, NM_001271208.2); c.10117C>T, p.Arg3373Trp (NM_004543.5); c.10117C>T (NM_004543.4); short protein forms R3373W, R3616W.
Identifiers: ClinVar variation 857474 (VCV000857474.4), dbSNP rs573036942, ClinGen allele CA1908942.

ClinVar aggregate classification (germline): Uncertain significance. Review status: criteria provided, multiple submitters, no conflicts (2 of 4 stars). 2 submissions from 2 submitters: Uncertain significance (2). Last evaluated 2022-06-04.

Conditions:
Nemaline myopathy 2 (NEM2). Also called: Nemaline myopathy 2, autosomal recessive. Identifiers: MedGen C1850569, MONDO:0009725, OMIM 256030.
Inborn genetic diseases. Identifiers: MedGen C0950123, MeSH D030342.

Allele frequency attached by ClinVar (database versions not stated): gnomAD exomes below 0.00001 and 0.00001; ExAC 0.00001; gnomAD 0.00001; TOPMed 0.00003.
gnomAD v4.1: 15 of 1,610,206 alleles (0.00093%); highest among the groups gnomAD compares: East Asian, 0.0022%; no homozygotes.

Submissions (2):

Labcorp Genetics (formerly Invitae), Labcorp
Classification: Uncertain significance for Nemaline myopathy 2. Last evaluated: 2022-06-04. Review status: criteria provided, single submitter. Criteria: Invitae Variant Classification Sherloc (09022015). Collection method: clinical testing. Allele origin: germline.
Comment: This sequence change replaces arginine, which is basic and polar, with tryptophan, which is neutral and slightly polar, at codon 3616 of the NEB protein (p.Arg3616Trp). This variant is present in population databases (rs573036942, gnomAD 0.004%). This variant has not been reported in the literature in individuals affected with NEB-related conditions. ClinVar contains an entry for this variant (Variation ID: 857474). Algorithms developed to predict the effect of missense changes on protein structure and function are either unavailable or do not agree on the potential impact of this missense change (SIFT: "Deleterious"; PolyPhen-2: "Not Available"; Align-GVGD: "Class C0"). In summary, the available evidence is currently insufficient to determine the role of this variant in disease. Therefore, it has been classified as a Variant of Uncertain Significance.

Ambry Genetics
Classification: Uncertain significance for Inborn genetic diseases. Last evaluated: 2021-09-01. Review status: criteria provided, single submitter. Criteria: Ambry Variant Classification Scheme 2023. Collection method: clinical testing. Allele origin: germline.